The following is an entry in ClinVar:

NM_020921.4(NIN):c.5904G>A (p.Thr1968=)

Gene: NIN (ninein; minus strand). Cytogenetic location: 14q22.1.
Variant type: single nucleotide variant.
Coding change: c.5904G>A on transcript NM_020921.4 (MANE Select); coding-DNA position 5904, G replaced by A.
Protein change: p.Thr1968=; no amino-acid change (threonine 1968 retained).
Molecular consequence: synonymous variant.
Genome position (GRCh38, 1-based): chr14:50,729,697, C>T on the plus strand (G>A on the coding strand, the complement: NIN is on the minus strand). VCF-style: chr14-50729697-C-T. GRCh37 (hg19) VCF-style: chr14-51196415-C-T.
Other names: c.3765G>A, p.Thr1255= (NM_016350.5); c.5904G>A, p.Thr1968= (NM_182944.3, NM_182946.2).
Identifiers: ClinVar variation 731459 (VCV000731459.10), dbSNP rs367925424, ClinGen allele CA7181086.
Genomic context (GRCh38, chr14:50,729,697, plus strand): 5'-CATCGGACAGGCTTGCTGCTGGAGCAGCTGCAAATCCCAAGCATGAGGGGACGGGCTAGG[C>T]GTCGCAGTGGACCTCAGGTGCTGCATCTGAAGGACAAGGGCAAAGCCCTGTTCAGCTGAG-3'
Protein context (NP_065972.4, residues 1958-1978): MEMQHLRSTA[Thr1968=]PSPSPHAWDL

ClinVar aggregate classification (germline): Likely benign. Review status: criteria provided, single submitter (1 of 4 stars). 2 submissions from 2 submitters: Likely benign (1). 1 of the submissions does not count toward it. Last evaluated 2026-01-05.

Conditions:
NIN-related disorder. Also called: NIN-related condition.

Allele frequency attached by ClinVar (database versions not stated): ESP Exome Variant Server 0.00008; gnomAD 0.00009 and 0.00010; TOPMed 0.00011; gnomAD exomes 0.00016 and 0.00022; 1000 Genomes Project 0.00020; 1000 Genomes Project 30x 0.00031.
gnomAD v4.1: 329 of 1,609,988 alleles (0.02%); highest among the groups gnomAD compares: Middle Eastern, 0.036%; no homozygotes.

Submissions (2):

Labcorp Genetics (formerly Invitae), Labcorp
Classification: Likely benign. Last evaluated: 2026-01-05. Review status: criteria provided, single submitter. Criteria: Invitae Variant Classification Sherloc (09022015). Collection method: clinical testing. Allele origin: germline.

PreventionGenetics, part of Exact Sciences
Classification: Likely benign for NIN-related condition. Last evaluated: 2019-12-02. Review status: no assertion criteria provided. Collection method: clinical testing. Allele origin: germline. Not counted in ClinVar's aggregate classification.
Comment: This variant is classified as likely benign based on ACMG/AMP sequence variant interpretation guidelines (Richards et al. 2015 PMID: 25741868, with internal and published modifications).